The following is an entry in ClinVar:

NM_001370100.5(ZMYND11):c.921C>T (p.Asp307=)

Gene: ZMYND11 (zinc finger MYND-type containing 11; plus strand). Cytogenetic location: 10p15.3.
Variant type: single nucleotide variant.
Coding change: c.921C>T on transcript NM_001370100.5 (MANE Select); coding-DNA position 921, C replaced by T.
Protein change: p.Asp307=; no amino-acid change (aspartic acid 307 retained).
Molecular consequence: synonymous variant. On other transcripts: non-coding transcript variant (1).
Genome position (GRCh38, 1-based): chr10:242,110, C>T. VCF-style: chr10-242110-C-T. GRCh37 (hg19) VCF-style: chr10-288050-C-T.
Other names: c.921C>T, p.Asp307= (NM_001161482.1, NM_001202468.1, NM_001370097.3 and 6 more transcripts); c.759C>T, p.Asp253= (NM_001202464.3, NM_001202467.1, NM_001370103.2 and 6 more transcripts); c.666C>T, p.Asp222= (NM_001202465.3, NM_001370110.2); c.756C>T, p.Asp252= (NM_001202466.3, NM_001370111.2); c.870C>T, p.Asp290= (NM_001330057.3, NM_001370112.2); c.828C>T, p.Asp276= (NM_001370113.2, NM_001370114.2); c.918C>T, p.Asp306= (NM_001370115.2, NM_212479.4); c.855C>T, p.Asp285= (NM_001370116.2); and 7 more.
Identifiers: ClinVar variation 2071573 (VCV002071573.28), dbSNP rs200657654, ClinGen allele CA5379113.
Genomic context (GRCh38, chr10:242,110, plus strand): 5'-AATGAAAGGTTTTGGGTTTTGGCCAGCCAAAGTCATGCAGAAAGAAGACAATCAAGTCGA[C>T]GTTCGCTTCTTTGGCCACCACCACCAGAGGTAATTTGTGATCCCATGTTCAGCGGTCACA-3'
Protein context (NP_001357029.1, residues 297-317): KVMQKEDNQV[Asp307=]VRFFGHHHQR

ClinVar aggregate classification (germline): Likely benign. Review status: criteria provided, multiple submitters, no conflicts (2 of 4 stars). 2 submissions from 2 submitters: Likely benign (2). Last evaluated 2026-09-01.

Allele frequency attached by ClinVar (database versions not stated): ESP Exome Variant Server 0.00008; gnomAD 0.00013; TOPMed 0.00015; 1000 Genomes Project 30x 0.00016; gnomAD exomes 0.00016; ExAC 0.00019; 1000 Genomes Project 0.00020.
gnomAD v4.1: 255 of 1,614,016 alleles (0.016%); highest among the groups gnomAD compares: Middle Eastern, 0.049%; no homozygotes.

Submissions (2):

CeGaT Center for Human Genetics Tuebingen
Classification: Likely benign. Last evaluated: 2026-09-01. Review status: criteria provided, single submitter. Criteria: CeGaT Center For Human Genetics Tuebingen Variant Classification Criteria Version 2. Collection method: clinical testing. Allele origin: germline. Affected: yes. Observed: 2 variant alleles.
Comment: ZMYND11: BP4, BP7

Labcorp Genetics (formerly Invitae), Labcorp
Classification: Likely benign. Last evaluated: 2025-12-16. Review status: criteria provided, single submitter. Criteria: Invitae Variant Classification Sherloc (09022015). Collection method: clinical testing. Allele origin: germline.